The following is an entry in ClinVar:

ClinVar aggregate classification (germline): Pathogenic/Likely pathogenic. Review status: criteria provided, multiple submitters, no conflicts (2 of 4 stars). 4 submissions from 4 submitters: Pathogenic (3); Likely pathogenic (1). Last evaluated 2023-05-05.

Conditions:
Hereditary breast ovarian cancer syndrome. Also called: Hereditary breast and ovarian cancer; Hereditary breast and/or ovarian cancer syndrome; Hereditary breast and ovarian cancer syndrome; Hereditary breast and ovarian cancer syndrome (HBOC); Breast and ovarian cancer; BRCA1- and BRCA2-Associated Hereditary Breast and Ovarian Cancer. Identifiers: Orphanet 145, MedGen C0677776, MeSH D061325, MONDO:0003582. Disease mechanism: loss of function.
Hereditary cancer-predisposing syndrome. Also called: Neoplastic Syndromes, Hereditary; Hereditary Cancer Syndrome; Tumor predisposition; Hereditary neoplastic syndrome. Identifiers: Orphanet 140162, MedGen C0027672, MeSH D009386, MONDO:0015356.

Submissions (4):

Labcorp Genetics (formerly Invitae), Labcorp
Classification: Pathogenic for Hereditary breast ovarian cancer syndrome. Last evaluated: 2023-05-05. Review status: criteria provided, single submitter. Criteria: Invitae Variant Classification Sherloc (09022015). Collection method: clinical testing. Allele origin: germline.
Comment: This sequence change creates a premature translational stop signal (p.Glu337Lysfs*8) in the BRCA1 gene. It is expected to result in an absent or disrupted protein product. Loss-of-function variants in BRCA1 are known to be pathogenic (PMID: 20104584). For these reasons, this variant has been classified as Pathogenic. ClinVar contains an entry for this variant (Variation ID: 545868). This variant has not been reported in the literature in individuals affected with BRCA1-related conditions. This variant is not present in population databases (gnomAD no frequency).

Quest Diagnostics Nichols Institute San Juan Capistrano
Classification: Likely pathogenic. Last evaluated: 2023-04-26. Review status: criteria provided, single submitter. Criteria: Quest Diagnostics criteria. Collection method: clinical testing. Allele origin: unknown.
Comment: This frameshift variant alters the translational reading frame of the BRCA1 mRNA and is predicted to cause the premature termination of BRCA1 protein synthesis. The variant has not been reported in individuals with BRCA1-related diseases in the published literature. It also has not been reported in large, multi-ethnic general populations. Based on the available

Ambry Genetics
Classification: Pathogenic for Hereditary cancer-predisposing syndrome. Last evaluated: 2021-06-09. Review status: criteria provided, single submitter. Criteria: Ambry Variant Classification Scheme 2023. Collection method: clinical testing. Allele origin: germline.
Comment: The c.1009_1010delGA pathogenic mutation, located in coding exon 9 of the BRCA1 gene, results from a deletion of two nucleotides at nucleotide positions 1009 to 1010, causing a translational frameshift with a predicted alternate stop codon (p.E337Kfs*8). This alteration is expected to result in loss of function by premature protein truncation or nonsense-mediated mRNA decay. As such, this alteration is interpreted as a disease-causing mutation.

GeneDx
Classification: Pathogenic. Last evaluated: 2018-01-25. Review status: criteria provided, single submitter. Criteria: GeneDx Variant Classification (06012015). Collection method: clinical testing. Allele origin: germline. Affected: yes.
Comment: This deletion of two nucleotides in BRCA1 is denoted c.1009_1010delGA at the cDNA level and p.Glu337LysfsX8 (E337KfsX8) at the protein level. The normal sequence, with the bases that are deleted in brackets, is CACA[delGA]AAAAAAG. The deletion causes a frameshift which changes a Glutamic Acid to a Lysine at codon 337, and creates a premature stop codon at position 8 of the new reading frame. Although this variant has not, to our knowledge, been reported in the literature, it is predicted to cause loss of normal protein function through either protein truncation or nonsense-mediated mRNA decay. We consider this variant to be pathogenic.

Literature cited by the submitters: PubMed 20104584 (cited by Labcorp Genetics (formerly Invitae), Labcorp).

NM_007294.4(BRCA1):c.1009_1010del (p.Glu337fs)

Gene: BRCA1 (BRCA1 DNA repair associated; minus strand). Cytogenetic location: 17q21.31.
Variant type: Deletion.
Coding change: c.1009_1010del on transcript NM_007294.4 (MANE Select); coding-DNA positions 1009 to 1010, 2 bases deleted (GA; older notation c.1009_1010delGA).
Protein change: p.Glu337fs; shifts the reading frame from glutamic acid 337.
Molecular consequence: frameshift variant. On other transcripts: intron variant (137).
Genome position (GRCh38, 1-based): chr17:43,094,521-43,094,522, TC deleted on the plus strand (GA on the coding strand, the reverse complement: BRCA1 is on the minus strand); deleting any 2 consecutive bases within chr17:43,094,521-43,094,523 gives the same sequence; the c. name uses the placement nearest the transcript's 3' end. VCF-style (leftmost placement, unchanged base first): chr17-43094520-TTC-T. GRCh37 (hg19) VCF-style: chr17-41246537-TTC-T.
Other names: c.574+222_574+223del (NM_001408493.1, NM_001408490.1, NM_001408491.1); c.667+1324_667+1325del (NM_001408424.1, NM_001408431.1, NM_001408421.1); c.661+222_661+223del (NM_001408445.1, NM_001408432.1, NM_001408446.1 and 6 more transcripts); c.577+222_577+223del (NM_001408489.1, NM_001408479.1, NM_001408481.1 and 9 more transcripts); c.865_866del, p.Glu289fs (NM_001407847.1, NM_001407849.1, NM_001407848.1 and 20 more transcripts); c.454+222_454+223del (NM_001408502.1); c.868_869del, p.Glu290fs (NM_001407850.1, NM_001407851.1, NM_001407852.1 and 29 more transcripts); c.1009_1010delGA (NM_007294.3); and 43 more; short protein forms E290fs, E337fs, E296fs, E336fs, E41fs, E225fs, E289fs, E295fs.
Identifiers: ClinVar variation 545868 (VCV000545868.9), dbSNP rs1555592671, ClinGen allele CA658824545.
Genomic context (GRCh38, chr17:43,094,520, plus strand): 5'-TTTCTGCTTATTCCATTCTTTTCTCTCACACAGGGGATCAGCATTCAGATCTACCTTTTT[TTC>T]TGTGCTGGGAGTCCGCCTATCATTACATGTTTCCTTACTTCCAGCCCATCTGTTATGTTG-3'